The following is an entry in ClinVar:

ClinVar aggregate classification (germline): Uncertain significance. Review status: criteria provided, multiple submitters, no conflicts (2 of 4 stars). 2 submissions from 2 submitters: Uncertain significance (2). Last evaluated 2026-06-26.

Submissions (2):

Women's Health and Genetics/Laboratory Corporation of America, LabCorp
Classification: Uncertain significance. Last evaluated: 2026-06-26. Review status: criteria provided, single submitter. Criteria: LabCorp Variant Classification Summary - May 2015. Collection method: clinical testing. Allele origin: germline.
Comment: Variant summary: GRIN2D c.242G>A (p.Gly81Asp) results in a non-conservative amino acid change in the encoded protein sequence. Algorithms developed to predict the effect of missense changes on protein structure and function are either unavailable or do not agree on the potential impact of this missense change. The frequency data for this variant in gnomAD is considered unreliable, as metrics indicate poor data quality at this position. To our knowledge, no occurrence of c.242G>A in individuals affected with GRIN2D-related conditions and no experimental evidence demonstrating its impact on protein function have been reported. ClinVar contains an entry for this variant (Variation ID: 3769426). Based on the evidence outlined above, the variant was classified as uncertain significance.

Labcorp Genetics (formerly Invitae), Labcorp
Classification: Uncertain significance. Last evaluated: 2025-10-26. Review status: criteria provided, single submitter. Criteria: Invitae Variant Classification Sherloc (09022015). Collection method: clinical testing. Allele origin: germline.
Comment: This sequence change replaces glycine, which is neutral and non-polar, with aspartic acid, which is acidic and polar, at codon 81 of the GRIN2D protein (p.Gly81Asp). This variant is not present in population databases (gnomAD no frequency). This variant has not been reported in the literature in individuals affected with GRIN2D-related conditions. ClinVar contains an entry for this variant (Variation ID: 3769426). Invitae Evidence Modeling of protein sequence and biophysical properties (such as structural, functional, and spatial information, amino acid conservation, physicochemical variation, residue mobility, and thermodynamic stability) indicates that this missense variant is not expected to disrupt GRIN2D protein function with a negative predictive value of 80%. In summary, the available evidence is currently insufficient to determine the role of this variant in disease. Therefore, it has been classified as a Variant of Uncertain Significance.

NM_000836.4(GRIN2D):c.242G>A (p.Gly81Asp)

Gene: GRIN2D (glutamate ionotropic receptor NMDA type subunit 2D; plus strand). Cytogenetic location: 19q13.33.
Variant type: single nucleotide variant.
Coding change: c.242G>A on transcript NM_000836.4 (MANE Select); coding-DNA position 242, G replaced by A.
Protein change: p.Gly81Asp; replaces glycine 81 with aspartic acid.
Molecular consequence: missense variant.
Genome position (GRCh38, 1-based): chr19:48,398,634, G>A. VCF-style: chr19-48398634-G-A. GRCh37 (hg19) VCF-style: chr19-48901891-G-A.
Other names: short protein forms G81D.
Identifiers: ClinVar variation 3769426 (VCV003769426.4).